The following is an entry in ClinVar:

NM_001048174.2(MUTYH):c.1410G>C (p.Gln470His)

Gene: MUTYH (mutY DNA glycosylase; minus strand). Cytogenetic location: 1p34.1.
Variant type: single nucleotide variant.
Coding change: c.1410G>C on transcript NM_001048174.2 (MANE Select); coding-DNA position 1410, G replaced by C.
Protein change: p.Gln470His; replaces glutamine 470 with histidine.
Molecular consequence: missense variant. On other transcripts: non-coding transcript variant (2).
Genome position (GRCh38, 1-based): chr1:45,330,540, C>G on the plus strand (G>C on the coding strand, the complement: MUTYH is on the minus strand). VCF-style: chr1-45330540-C-G. GRCh37 (hg19) VCF-style: chr1-45796212-C-G.
Other names: c.1410G>C, p.Gln470His (NM_001048171.2, NM_001048173.2, NM_001293195.2); c.1413G>C, p.Gln471His (NM_001048172.2); c.1494G>C, p.Gln498His (NM_001128425.2); c.1455G>C, p.Gln485His (NM_001293190.2); c.1443G>C, p.Gln481His (NM_001293191.2); c.1134G>C, p.Gln378His (NM_001293192.2, NM_001293196.2); c.1065G>C, p.Gln355His (NM_001350650.2, NM_001350651.2); c.1485G>C, p.Gln495His (NM_012222.3); short protein forms Q498H, Q484H, Q355H, Q378H, Q495H, Q470H, Q481H, Q471H.
Identifiers: ClinVar variation 142884 (VCV000142884.34), dbSNP rs587782794, ClinGen allele CA012950.

ClinVar aggregate classification (germline): Conflicting classifications of pathogenicity. Review status: criteria provided, conflicting classifications (1 of 4 stars). 11 submissions from 11 submitters: Uncertain significance (9); Likely benign (1). 1 of the submissions does not count toward it. Last evaluated 2025-12-15.

Conditions:
Hereditary cancer-predisposing syndrome. Also called: Tumor predisposition; Hereditary Cancer Syndrome; Neoplastic Syndromes, Hereditary; Hereditary neoplastic syndrome. Identifiers: Orphanet 140162, MedGen C0027672, MeSH D009386, MONDO:0015356.
Familial adenomatous polyposis 2. Also called: Adenomas, multiple colorectal; MUTYH-associated polyposis; MUTYH Polyposis; FAP type 2; COLORECTAL ADENOMATOUS POLYPOSIS, AUTOSOMAL RECESSIVE; ADENOMAS, MULTIPLE COLORECTAL, AUTOSOMAL RECESSIVE. Identifiers: Orphanet 220460, Orphanet 247798, MedGen C3272841, MONDO:0012041, OMIM 608456.

Allele frequency attached by ClinVar (database versions not stated): TOPMed below 0.00001; ExAC 0.00001; gnomAD 0.00001; gnomAD exomes 0.00001.
gnomAD v4.1: 15 of 1,609,424 alleles (0.00093%); highest among the groups gnomAD compares: Admixed American, 0.0017%; no homozygotes.

Submissions (11):

Labcorp Genetics (formerly Invitae), Labcorp
Classification: Uncertain significance for Familial adenomatous polyposis 2. Last evaluated: 2025-12-15. Review status: criteria provided, single submitter. Criteria: Invitae Variant Classification Sherloc (09022015). Collection method: clinical testing. Allele origin: germline.
Comment: This sequence change replaces glutamine, which is neutral and polar, with histidine, which is basic and polar, at codon 498 of the MUTYH protein (p.Gln498His). This variant is present in population databases (rs587782794, gnomAD 0.002%). This missense change has been observed in individual(s) with rectal cancer (PMID: 16645203). ClinVar contains an entry for this variant (Variation ID: 142884). An algorithm developed to predict the effect of missense changes on protein structure and function (PolyPhen-2) suggests that this variant is likely to be tolerated. In summary, the available evidence is currently insufficient to determine the role of this variant in disease. Therefore, it has been classified as a Variant of Uncertain Significance.

Ambry Genetics
Classification: Likely benign for Hereditary cancer-predisposing syndrome. Last evaluated: 2025-09-09. Review status: criteria provided, single submitter. Criteria: Ambry Variant Classification Scheme 2023. Collection method: clinical testing. Allele origin: germline.

GeneDx
Classification: Uncertain significance. Last evaluated: 2025-07-11. Review status: criteria provided, single submitter. Criteria: GeneDx Variant Classification Process June 2021. Collection method: clinical testing. Allele origin: germline. Affected: yes.
Comment: Not observed at significant frequency in large population cohorts (gnomAD); In silico analysis suggests that this missense variant does not alter protein structure/function; Observed in individuals with a personal or family history of early-onset rectal cancer or thyroid cancer (PMID: 16645203, 29684080); This variant is associated with the following publications: (PMID: 25525159, 16645203, 21061173, 24834277, 29684080, 23108399)

All of Us Research Program, National Institutes of Health
Classification: Uncertain significance for Familial adenomatous polyposis 2. Last evaluated: 2023-12-15. Review status: criteria provided, single submitter. Criteria: ACMG Guidelines, 2015. Collection method: clinical testing. Allele origin: germline. Inheritance: Autosomal recessive inheritance. Observed: 3 variant alleles, 3 heterozygotes.
Comment: This missense variant replaces glutamine with histidine at codon 498 of the MUTYH protein. Computational prediction is inconclusive regarding the impact of this variant on protein structure and function (internally defined REVEL score threshold 0.5 < inconclusive < 0.7, PMID: 27666373). To our knowledge, functional studies have not been reported for this variant. This variant has been reported in individuals affected with rectal cancer (PMID: 16645203), or thyroid cancer (PMID: 29684080). This variant has been identified in 2/242830 chromosomes in the general population by the Genome Aggregation Database (gnomAD). The available evidence is insufficient to determine the role of this variant in disease conclusively. Therefore, this variant is classified as a Variant of Uncertain Significance.

This study involves interpretation of variants in research participants for the purpose of population health screening. Participant phenotype was not available at the time of variant classification. Additional details can be found in publication PMID: 35346344, PMCID: PMC8962531

Quest Diagnostics Nichols Institute San Juan Capistrano
Classification: Uncertain significance. Last evaluated: 2023-10-23. Review status: criteria provided, single submitter. Criteria: Quest Diagnostics criteria. Collection method: clinical testing. Allele origin: unknown.
Comment: The MUTYH c.1494G>C (p.Gln498His) variant has been reported in the published literature in individuals with hereditary non-polyposis colon cancer (HNPCC) (PMID: 16645203 (2006)), and thyroid cancer (PMID: 29684080 (2018)). The frequency of this variant in the general population, 0.000018 (2/109350 chromosomes (Genome Aggregation Database)), is uninformative in the assessment of its pathogenicity. Analysis of this variant using bioinformatics tools for the prediction of the effect of amino acid changes on protein structure and function yielded conflicting predictions that this variant is deleterious or benign. Based on the available information, we are unable to determine the clinical significance of this variant.

Baylor Genetics
Classification: Uncertain significance for Familial adenomatous polyposis 2. Last evaluated: 2023-08-27. Review status: criteria provided, single submitter. Criteria: ACMG Guidelines, 2015. Collection method: clinical testing. Allele origin: unknown.

Color Diagnostics, LLC DBA Color Health
Classification: Uncertain significance for Hereditary cancer-predisposing syndrome. Last evaluated: 2022-12-15. Review status: criteria provided, single submitter. Criteria: ACMG Guidelines, 2015. Collection method: clinical testing. Allele origin: germline.
Comment: This missense variant replaces glutamine with histidine at codon 498 of the MUTYH protein. Computational prediction is inconclusive regarding the impact of this variant on protein structure and function (internally defined REVEL score threshold 0.5 < inconclusive < 0.7, PMID: 27666373). To our knowledge, functional studies have not been reported for this variant. This variant has been reported in individuals affected with rectal cancer (PMID: 16645203), or thyroid cancer (PMID: 29684080). This variant has been identified in 2/242830 chromosomes in the general population by the Genome Aggregation Database (gnomAD). The available evidence is insufficient to determine the role of this variant in disease conclusively. Therefore, this variant is classified as a Variant of Uncertain Significance.

Blueprint Genetics
Classification: Uncertain significance. Last evaluated: 2021-07-24. Review status: criteria provided, single submitter. Criteria: ACMG Guidelines, 2015. Collection method: clinical testing. Allele origin: germline.

Sema4
Classification: Uncertain significance for Hereditary cancer-predisposing syndrome. Last evaluated: 2021-05-03. Review status: criteria provided, single submitter. Criteria: Sema4 Curation Guidelines. Collection method: curation. Allele origin: germline.
Comment: The MUTYH c.1494G>C (p.Q498H) variant has been reported as heterozygous in at least one individual with rectal cancer (PMID: 16645203). It is also known as c.1452G>C (p.Q484H) in the literature. This variant was observed in 2/109350 chromosomes in the European (non-Finnish) population according to the Genome Aggregation Database (PMID: 32461654) and has been reported in ClinVar (Variation ID: 142884). In silico tools suggest the impact of the variant on protein function is inconclusive, though these predictions have not been confirmed by functional studies. Based on the current evidence available, this variant is interpreted as a variant of uncertain significance.

Illumina Laboratory Services, Illumina
Classification: Uncertain significance for Familial adenomatous polyposis 2. Last evaluated: 2017-04-28. Review status: criteria provided, single submitter. Criteria: ICSL Variant Classification Criteria 13 December 2019. Collection method: clinical testing. Allele origin: germline.

Counsyl
Classification: Uncertain significance for Familial adenomatous polyposis 2. Last evaluated: 2017-06-13. Review status: no assertion criteria provided. Collection method: clinical testing. Allele origin: unknown. Not counted in ClinVar's aggregate classification.

Literature cited by the submitters: PubMed 16645203 (cited by 7 submitters); PubMed 21061173 (cited by Ambry Genetics); PubMed 24834277 (cited by Ambry Genetics); PubMed 25525159 (cited by Ambry Genetics and Counsyl); PubMed 29684080 (cited by 4 submitters).